The following is an entry in ClinVar:

NM_006231.4(POLE):c.1942G>A (p.Glu648Lys)

Gene: POLE (DNA polymerase epsilon, catalytic subunit; minus strand). Cytogenetic location: 12q24.33.
Variant type: single nucleotide variant.
Coding change: c.1942G>A on transcript NM_006231.4 (MANE Select); coding-DNA position 1942, G replaced by A.
Protein change: p.Glu648Lys; replaces glutamic acid 648 with lysine.
Molecular consequence: missense variant.
Genome position (GRCh38, 1-based): chr12:132,668,719, C>T on the plus strand (G>A on the coding strand, the complement: POLE is on the minus strand). VCF-style: chr12-132668719-C-T. GRCh37 (hg19) VCF-style: chr12-133245305-C-T.
Other names: c.1942G>A (NM_006231.2); short protein forms E648K.
Identifiers: ClinVar variation 577484 (VCV000577484.21), dbSNP rs961415389, ClinGen allele CA246289141.

ClinVar aggregate classification (germline): Uncertain significance. Review status: criteria provided, multiple submitters, no conflicts (2 of 4 stars). 4 submissions from 4 submitters: Uncertain significance (4). Last evaluated 2025-01-19.

Conditions:
Hereditary cancer-predisposing syndrome. Also called: Tumor predisposition; Hereditary neoplastic syndrome; Hereditary Cancer Syndrome; Neoplastic Syndromes, Hereditary. Identifiers: Orphanet 140162, MedGen C0027672, MeSH D009386, MONDO:0015356.

Allele frequency attached by ClinVar (database versions not stated): gnomAD exomes below 0.00001.
gnomAD v4.1: 3 of 1,613,982 alleles (0.00019%); highest among the groups gnomAD compares: Non-Finnish European, 0.00017%; no homozygotes.

Submissions (4):

Labcorp Genetics (formerly Invitae), Labcorp
Classification: Uncertain significance. Last evaluated: 2025-01-19. Review status: criteria provided, single submitter. Criteria: Invitae Variant Classification Sherloc (09022015). Collection method: clinical testing. Allele origin: germline.
Comment: This sequence change replaces glutamic acid, which is acidic and polar, with lysine, which is basic and polar, at codon 648 of the POLE protein (p.Glu648Lys). This variant is not present in population databases (gnomAD no frequency). This variant has not been reported in the literature in individuals affected with POLE-related conditions. ClinVar contains an entry for this variant (Variation ID: 577484). Invitae Evidence Modeling of protein sequence and biophysical properties (such as structural, functional, and spatial information, amino acid conservation, physicochemical variation, residue mobility, and thermodynamic stability) has been performed for this missense variant. However, the output from this modeling did not meet the statistical confidence thresholds required to predict the impact of this variant on POLE protein function. In summary, the available evidence is currently insufficient to determine the role of this variant in disease. Therefore, it has been classified as a Variant of Uncertain Significance.

Ambry Genetics
Classification: Uncertain significance for Hereditary cancer-predisposing syndrome. Last evaluated: 2024-12-26. Review status: criteria provided, single submitter. Criteria: Ambry Variant Classification Scheme 2023. Collection method: clinical testing. Allele origin: germline.
Comment: The p.E648K variant (also known as c.1942G>A), located in coding exon 18 of the POLE gene, results from a G to A substitution at nucleotide position 1942. The glutamic acid at codon 648 is replaced by lysine, an amino acid with similar properties. This amino acid position is highly conserved in available vertebrate species. In addition, the in silico prediction for this alteration is inconclusive. Based on the available evidence, the clinical significance of this variant remains unclear.

GeneDx
Classification: Uncertain significance. Last evaluated: 2022-06-09. Review status: criteria provided, single submitter. Criteria: GeneDx Variant Classification Process June 2021. Collection method: clinical testing. Allele origin: germline. Affected: yes.
Comment: Not observed at significant frequency in large population cohorts (gnomAD); In silico analysis supports that this missense variant has a deleterious effect on protein structure/function; Has not been previously published as germline pathogenic or benign to our knowledge; This variant is associated with the following publications: (PMID: 29572003, 23334666)

Institute for Clinical Genetics, University Hospital TU Dresden, University Hospital TU Dresden
Classification: Uncertain significance. Last evaluated: 2021-11-03. Review status: criteria provided, single submitter. Criteria: ACMG Guidelines, 2015. Collection method: clinical testing. Allele origin: germline.